The following is an entry in ClinVar:

NM_001197104.2(KMT2A):c.433-2A>C

Gene: KMT2A (lysine methyltransferase 2A; plus strand). Cytogenetic location: 11q23.3.
Variant type: single nucleotide variant.
Coding change: c.433-2A>C on transcript NM_001197104.2 (MANE Select); the canonical splice acceptor site of the intron before coding-DNA position 433, A replaced by C.
Molecular consequence: splice acceptor variant.
Genome position (GRCh38, 1-based): chr11:118,468,773, A>C. VCF-style: chr11-118468773-A-C. GRCh37 (hg19) VCF-style: chr11-118339488-A-C.
Other names: c.532-2A>C (NM_001412597.1); c.433-2A>C (NM_005933.4).
Identifiers: ClinVar variation 3535450 (VCV003535450.1).
Genomic context (GRCh38, chr11:118,468,773, plus strand): 5'-TTGGGATGTGTTTGTATGCACGTTTTTGCTTCTGATTTTAAAATAATTTTCCTTTGTTGT[A>C]GGATGAGCAATTCTTAGGTTTTGGCTCAGATGAAGAAGTCAGAGTGCGAAGTCCCACAAG-3'

ClinVar aggregate classification (germline): Pathogenic (1 of 4 stars; one submission).

Conditions:
Inborn genetic diseases. Identifiers: MedGen C0950123, MeSH D030342.

Submission:

Ambry Genetics
Classification: Pathogenic for Inborn genetic diseases. Last evaluated: 2024-11-08. Review status: criteria provided, single submitter. Criteria: Ambry Variant Classification Scheme 2023. Collection method: clinical testing. Allele origin: germline.
Comment: The c.433-2A>C intronic intronic variant results from a A to C substitution two nucleotides before coding exon 2 of the KMT2A gene. Alterations that disrupt the canonical splice site are expected to cause aberrant splicing, resulting in an abnormal protein or a transcript that is subject to nonsense-mediated mRNA decay. This variant was not reported in population-based cohorts in the Genome Aggregation Database (gnomAD). This nucleotide position is highly conserved in available vertebrate species. In silico splice site analysis predicts that this alteration will weaken the native splice acceptor site and may result in the creation or strengthening of a novel splice acceptor site. Based on the available evidence, this alteration is classified as pathogenic.